The following is an entry in ClinVar:

ClinVar aggregate classification (germline): Conflicting classifications of pathogenicity. Review status: criteria provided, conflicting classifications (1 of 4 stars). 3 submissions from 3 submitters: Pathogenic (2); Uncertain significance (1). Last evaluated 2022-02-23.

Submissions (3):

GeneDx
Classification: Pathogenic. Last evaluated: 2022-02-23. Review status: criteria provided, single submitter. Criteria: GeneDx Variant Classification Process June 2021. Collection method: clinical testing. Allele origin: germline. Affected: yes.
Comment: Not observed at significant frequency in large population cohorts (gnomAD); In silico analysis supports that this missense variant has a deleterious effect on protein structure/function; Identified as a de novo variant with confirmed parentage in a patient in the published literature (Heinz et al., 2019) and as an apparently de novo variant in a patient in the published literature (Alkindi et al., 2013) with features consistent with focal dermal hypoplasia; This variant is associated with the following publications: (PMID: 23131169, 30455901, 30022487, 29383603)

Labcorp Genetics (formerly Invitae), Labcorp
Classification: Pathogenic. Last evaluated: 2021-04-22. Review status: criteria provided, single submitter. Criteria: Invitae Variant Classification Sherloc (09022015). Collection method: clinical testing. Allele origin: germline.
Comment: For these reasons, this variant has been classified as Pathogenic. This variant disrupts the p..Arg365 amino acid residue in PORCN. Other variant(s) that disrupt this residue have been observed in individuals with PORCN-related conditions (PMID: 17546030, 18325042, 19309688, 19863546, 26853229), which suggests that this may be a clinically significant amino acid residue. Algorithms developed to predict the effect of missense changes on protein structure and function are either unavailable or do not agree on the potential impact of this missense change (SIFT: "Deleterious"; PolyPhen-2: "Probably Damaging"; Align-GVGD: "Class C0"). This variant has been observed in individual(s) with focal dermal hypoplasia or Goltz syndrome (PMID: 23131169, 29383603). In at least one individual the variant was observed to be de novo. This variant is also known as p.Arg360Trp. ClinVar contains an entry for this variant (Variation ID: 96663). This variant is not present in population databases (ExAC no frequency). This sequence change replaces arginine with tryptophan at codon 365 of the PORCN protein (p.Arg365Trp). The arginine residue is highly conserved and there is a moderate physicochemical difference between arginine and tryptophan.

Eurofins Ntd Llc (ga)
Classification: Uncertain significance. Last evaluated: 2012-09-04. Review status: criteria provided, single submitter. Criteria: EGL Classification Definitions 2015. Collection method: clinical testing. Allele origin: germline. Observed: 1 variant allele, 1 heterozygote.

Literature cited by the submitters: PubMed 17546030 (cited by Labcorp Genetics (formerly Invitae), Labcorp); PubMed 18325042 (cited by Labcorp Genetics (formerly Invitae), Labcorp); PubMed 19309688 (cited by Labcorp Genetics (formerly Invitae), Labcorp); PubMed 19863546 (cited by Labcorp Genetics (formerly Invitae), Labcorp); PubMed 26853229 (cited by Labcorp Genetics (formerly Invitae), Labcorp); PubMed 23131169 (cited by Labcorp Genetics (formerly Invitae), Labcorp); PubMed 29383603 (cited by Labcorp Genetics (formerly Invitae), Labcorp).

NM_203475.3(PORCN):c.1093C>T (p.Arg365Trp)

Gene: PORCN (porcupine O-acyltransferase; plus strand). Cytogenetic location: Xp11.23.
Variant type: single nucleotide variant.
Coding change: c.1093C>T on transcript NM_203475.3 (MANE Select); coding-DNA position 1093, C replaced by T.
Protein change: p.Arg365Trp; replaces arginine 365 with tryptophan.
Molecular consequence: missense variant.
Genome position (GRCh38, 1-based): chrX:48,516,066, C>T. VCF-style: chrX-48516066-C-T. GRCh37 (hg19) VCF-style: chrX-48374454-C-T.
Other names: c.847C>T, p.Arg283Trp (NM_001282167.2); c.1060C>T, p.Arg354Trp (NM_022825.4); c.1078C>T, p.Arg360Trp (NM_203473.3); c.1075C>T, p.Arg359Trp (NM_203474.1); short protein forms R360W, R365W, R354W, R359W, R283W.
Identifiers: ClinVar variation 96663 (VCV000096663.15), dbSNP rs398124616, ClinGen allele CA224393.